The following is an entry in ClinVar:

ClinVar aggregate classification (germline): Benign/Likely benign. Review status: criteria provided, single submitter (1 of 4 stars). 2 submissions from 1 submitter: Benign (1); Likely benign (1). Last evaluated 2018-01-13.

Conditions:
Bronchiectasis with or without elevated sweat chloride 2 (BESC2). Identifiers: Orphanet 60033, MedGen C2751666, MONDO:0013087, OMIM 613021.
Pseudohypoaldosteronism, type IB1, autosomal recessive. Also called: Autosomal recessive pseudohypoaldosteronism type 1; Pseudohypoaldosteronism, Type I, Recessive; PHA I, AUTOSOMAL RECESSIVE; Pseudohypoaldosteronism, Type I, Autosomal Recessive. Identifiers: Orphanet 171876, Orphanet 756, MedGen C5774176, MONDO:0009917, OMIM 264350.

Allele frequency attached by ClinVar (database versions not stated): gnomAD 0.00006 and 0.00062; 1000 Genomes Project 0.00479; TOPMed 0.00009; gnomAD exomes 0.00254; 1000 Genomes Project 30x 0.00406; ExAC 0.00986.
gnomAD v4.1: 1,460 of 1,535,356 alleles (0.095%); highest among the groups gnomAD compares: South Asian, 1.6%; 22 homozygotes.

Submissions (2):

Illumina Laboratory Services, Illumina
Classification: Likely benign for Pseudohypoaldosteronism, type IB1, autosomal recessive. Last evaluated: 2018-01-13. Review status: criteria provided, single submitter. Criteria: ICSL Variant Classification Criteria 13 December 2019. Collection method: clinical testing. Allele origin: germline.
Comment: This variant was observed in the ICSL laboratory as part of a predisposition screen in an ostensibly healthy population. It had not been previously curated by ICSL or reported in the Human Gene Mutation Database (HGMD: prior to June 1st, 2018), and was therefore a candidate for classification through an automated scoring system. Utilizing variant allele frequency, disease prevalence and penetrance estimates, and inheritance mode, an automated score was calculated to assess if this variant is too frequent to cause the disease. Based on the score and internal cut-off values, a variant classified as likely benign is not then subjected to further curation. The score for this variant resulted in a classification of likely benign for this disease.

Illumina Laboratory Services, Illumina
Classification: Benign for Bronchiectasis with or without elevated sweat chloride 2. Last evaluated: 2018-01-13. Review status: criteria provided, single submitter. Criteria: ICSL Variant Classification Criteria 13 December 2019. Collection method: clinical testing. Allele origin: germline.
Comment: This variant was observed in the ICSL laboratory as part of a predisposition screen in an ostensibly healthy population. It had not been previously curated by ICSL or reported in the Human Gene Mutation Database (HGMD: prior to June 1st, 2018), and was therefore a candidate for classification through an automated scoring system. Utilizing variant allele frequency, disease prevalence and penetrance estimates, and inheritance mode, an automated score was calculated to assess if this variant is too frequent to cause the disease. Based on the score and internal cut-off values, a variant classified as benign is not then subjected to further curation. The score for this variant resulted in a classification of benign for this disease.

NM_001038.6(SCNN1A):c.-69C>T

Genes: LTBR (lymphotoxin beta receptor; plus strand), SCNN1A (sodium channel epithelial 1 subunit alpha; minus strand). Cytogenetic location: 12p13.31.
Variant type: single nucleotide variant.
Coding change: c.-69C>T on transcript NM_001038.6 (MANE Select); 69 bases upstream of the start codon, C replaced by T.
Molecular consequence: 5 prime UTR variant. On other transcripts: intron variant (1).
Genome position (GRCh38, 1-based): chr12:6,375,519, G>A on the plus strand (C>T on the coding strand, the complement: SCNN1A is on the minus strand). VCF-style: chr12-6375519-G-A. GRCh37 (hg19) VCF-style: chr12-6484685-G-A.
Other names: c.16-682C>T (NM_001159575.2); c.-37G>A (NM_001270987.2, NM_001414309.1).
Identifiers: ClinVar variation 310158 (VCV000310158.7), dbSNP rs545108113, ClinGen allele CA6406379.
Genomic context (GRCh38, chr12:6,375,519, plus strand): 5'-TTCCTTTCCAGTTGAATCTGGCAGCCAAACCTCTCCTCCCCCTCACCTGACAGGTGCAGC[G>A]GCCTGGCTGGGGAGCCCGCCCGCTGGCCGGCCAGGGATGGAAGCGACAGGAATCTCATTA-3'